The following is an entry in ClinVar:

NM_172364.5(CACNA2D4):c.1957T>C (p.Ser653Pro)

Gene: CACNA2D4 (calcium voltage-gated channel auxiliary subunit alpha2delta 4; minus strand). Cytogenetic location: 12p13.33.
Variant type: single nucleotide variant.
Coding change: c.1957T>C on transcript NM_172364.5 (MANE Select); coding-DNA position 1957, T replaced by C.
Protein change: p.Ser653Pro; replaces serine 653 with proline.
Molecular consequence: missense variant.
Genome position (GRCh38, 1-based): chr12:1,858,628, A>G on the plus strand (T>C on the coding strand, the complement: CACNA2D4 is on the minus strand). VCF-style: chr12-1858628-A-G. GRCh37 (hg19) VCF-style: chr12-1967794-A-G.
Other names: short protein forms S653P.
Identifiers: ClinVar variation 1719115 (VCV001719115.5), dbSNP rs1352600421, ClinGen allele CA383349776.

ClinVar aggregate classification (germline): Uncertain significance (1 of 4 stars; one submission).

Allele frequency attached by ClinVar (database versions not stated): gnomAD exomes below 0.00001.
gnomAD v4.1: 2 of 1,608,978 alleles (0.00012%); highest among the groups gnomAD compares: Admixed American, 0.0034%; no homozygotes.

Submission:

Labcorp Genetics (formerly Invitae), Labcorp
Classification: Uncertain significance. Last evaluated: 2022-09-09. Review status: criteria provided, single submitter. Criteria: Invitae Variant Classification Sherloc (09022015). Collection method: clinical testing. Allele origin: germline.
Comment: In summary, the available evidence is currently insufficient to determine the role of this variant in disease. Therefore, it has been classified as a Variant of Uncertain Significance. Algorithms developed to predict the effect of missense changes on protein structure and function are either unavailable or do not agree on the potential impact of this missense change (SIFT: "Deleterious"; PolyPhen-2: "Benign"; Align-GVGD: "Class C0"). This variant has not been reported in the literature in individuals affected with CACNA2D4-related conditions. This variant is present in population databases (no rsID available, gnomAD 0.003%). This sequence change replaces serine, which is neutral and polar, with proline, which is neutral and non-polar, at codon 653 of the CACNA2D4 protein (p.Ser653Pro).